The following is an entry in ClinVar:

NM_015662.3(IFT172):c.2875A>G (p.Lys959Glu)

Gene: IFT172 (intraflagellar transport 172; minus strand). Cytogenetic location: 2p23.3.
Variant type: single nucleotide variant.
Coding change: c.2875A>G on transcript NM_015662.3 (MANE Select); coding-DNA position 2875, A replaced by G.
Protein change: p.Lys959Glu; replaces lysine 959 with glutamic acid.
Molecular consequence: missense variant.
Genome position (GRCh38, 1-based): chr2:27,458,781, T>C on the plus strand (A>G on the coding strand, the complement: IFT172 is on the minus strand). VCF-style: chr2-27458781-T-C. GRCh37 (hg19) VCF-style: chr2-27681648-T-C.
Other names: short protein forms K959E.
Identifiers: ClinVar variation 1382234 (VCV001382234.7), dbSNP rs1271431771, ClinGen allele CA346381372.
Genomic context (GRCh38, chr2:27,458,781, plus strand): 5'-TGAGGCCACAATGCCACTAAGGCAGAGTTCTCTTATCATGAACTCCACCCATCCCTACCT[T>C]GTGGGCTTGTTCCCAACGACCAGCCTGGGTGTACATGTCTATGGCATCTTTTGTCCGATC-3'
Protein context (NP_056477.1, residues 949-969): TQAGRWEQAH[Lys959Glu]LAMKCMRPED

ClinVar aggregate classification (germline): Uncertain significance. Review status: criteria provided, multiple submitters, no conflicts (2 of 4 stars). 2 submissions from 2 submitters: Uncertain significance (2). Last evaluated 2022-07-12.

Conditions:
Retinitis pigmentosa 71 (RP71). Identifiers: Orphanet 791, MedGen C4225342, MONDO:0014618, OMIM 616394.
Short-rib thoracic dysplasia 10 with or without polydactyly (SRTD10). Identifiers: Orphanet 474, MedGen C3810175, MONDO:0014284, OMIM 615630.
Bardet-Biedl syndrome 20. Identifiers: MedGen C4310707, MONDO:0023670, OMIM 619471, MONDO:0014926.

Allele frequency attached by ClinVar (database versions not stated): gnomAD exomes below 0.00001; TOPMed below 0.00001; gnomAD 0.00001.
gnomAD v4.1: 3 of 1,613,976 alleles (0.00019%); highest among the groups gnomAD compares: Non-Finnish European, 0.00025%; no homozygotes.

Submissions (2):

Labcorp Genetics (formerly Invitae), Labcorp
Classification: Uncertain significance for Retinitis pigmentosa 71; Short-rib thoracic dysplasia 10 with or without polydactyly. Last evaluated: 2022-07-12. Review status: criteria provided, single submitter. Criteria: Invitae Variant Classification Sherloc (09022015). Collection method: clinical testing. Allele origin: germline.
Comment: ClinVar contains an entry for this variant (Variation ID: 1382234). In summary, the available evidence is currently insufficient to determine the role of this variant in disease. Therefore, it has been classified as a Variant of Uncertain Significance. Algorithms developed to predict the effect of missense changes on protein structure and function (SIFT, PolyPhen-2, Align-GVGD) all suggest that this variant is likely to be tolerated. This variant has not been reported in the literature in individuals affected with IFT172-related conditions. This variant is present in population databases (no rsID available, gnomAD 0.007%). This sequence change replaces lysine, which is basic and polar, with glutamic acid, which is acidic and polar, at codon 959 of the IFT172 protein (p.Lys959Glu).

Fulgent Genetics
Classification: Uncertain significance for Short-rib thoracic dysplasia 10 with or without polydactyly; Retinitis pigmentosa 71; Bardet-Biedl syndrome 20. Last evaluated: 2022-03-12. Review status: criteria provided, single submitter. Criteria: ACMG Guidelines, 2015. Collection method: clinical testing. Allele origin: unknown.